The following is an entry in ClinVar:

ClinVar aggregate classification (germline): Uncertain significance (1 of 4 stars; one submission).

Submission:

Labcorp Genetics (formerly Invitae), Labcorp
Classification: Uncertain significance. Last evaluated: 2025-06-24. Review status: criteria provided, single submitter. Criteria: Invitae Variant Classification Sherloc (09022015). Collection method: clinical testing. Allele origin: germline.
Comment: This sequence change replaces glycine, which is neutral and non-polar, with valine, which is neutral and non-polar, at codon 56 of the FBN3 protein (p.Gly56Val). This variant also falls at the last nucleotide of exon 2, which is part of the consensus splice site for this exon. This variant is present in population databases (no rsID available, gnomAD 0.007%). This variant has not been reported in the literature in individuals affected with FBN3-related conditions. An algorithm developed to predict the effect of missense changes on protein structure and function (PolyPhen-2) suggests that this variant is likely to be disruptive. Variants that disrupt the consensus splice site are a relatively common cause of aberrant splicing (PMID: 17576681, 9536098). Algorithms developed to predict the effect of sequence changes on RNA splicing suggest that this variant may disrupt the consensus splice site. In summary, the available evidence is currently insufficient to determine the role of this variant in disease. Therefore, it has been classified as a Variant of Uncertain Significance.

Literature cited by the submitters: PubMed 17576681; PubMed 9536098.

NM_032447.5(FBN3):c.167G>T (p.Gly56Val)

Gene: FBN3 (fibrillin 3; minus strand). Cytogenetic location: 19p13.2.
Variant type: single nucleotide variant.
Coding change: c.167G>T on transcript NM_032447.5 (MANE Select); coding-DNA position 167, G replaced by T.
Protein change: p.Gly56Val; replaces glycine 56 with valine.
Molecular consequence: missense variant.
Genome position (GRCh38, 1-based): chr19:8,147,314, C>A on the plus strand (G>T on the coding strand, the complement: FBN3 is on the minus strand). VCF-style: chr19-8147314-C-A. GRCh37 (hg19) VCF-style: chr19-8212198-C-A.
Other names: c.167G>T, p.Gly56Val (NM_001321431.2); short protein forms G56V.
Identifiers: ClinVar variation 4704180 (VCV004704180.1).